The following is an entry in ClinVar:

NM_001453.3(FOXC1):c.1599C>T (p.Phe533=)

Gene: FOXC1 (forkhead box C1; plus strand). Cytogenetic location: 6p25.3.
Variant type: single nucleotide variant.
Coding change: c.1599C>T on transcript NM_001453.3 (MANE Select); coding-DNA position 1599, C replaced by T.
Protein change: p.Phe533=; no amino-acid change (phenylalanine 533 retained).
Molecular consequence: synonymous variant.
Genome position (GRCh38, 1-based): chr6:1,612,044, C>T. VCF-style: chr6-1612044-C-T. GRCh37 (hg19) VCF-style: chr6-1612279-C-T.
Identifiers: ClinVar variation 3043884 (VCV003043884.2), dbSNP rs201266312, ClinGen allele CA3614935.

ClinVar aggregate classification (germline): Likely benign (0 of 4 stars; one submission).

Conditions:
FOXC1-related disorder. Also called: FOXC1-related condition.

Allele frequency attached by ClinVar (database versions not stated): gnomAD exomes below 0.00001; TOPMed below 0.00001; ExAC 0.00002; gnomAD 0.00003; 1000 Genomes Project 0.00040; 1000 Genomes Project 30x 0.00047.
gnomAD v4.1: 6 of 1,613,848 alleles (0.00037%); highest among the groups gnomAD compares: East Asian, 0.0045%; no homozygotes.

Submission:

PreventionGenetics, part of Exact Sciences
Classification: Likely benign for FOXC1-related condition. Last evaluated: 2024-04-17. Review status: no assertion criteria provided. Collection method: clinical testing. Allele origin: germline.
Comment: This variant is classified as likely benign based on ACMG/AMP sequence variant interpretation guidelines (Richards et al. 2015 PMID: 25741868, with internal and published modifications).